The following is an entry in ClinVar:

NM_000051.4(ATM):c.2583C>G (p.Tyr861Ter)

Gene: ATM (ATM serine/threonine kinase; plus strand). Cytogenetic location: 11q22.3.
Variant type: single nucleotide variant.
Coding change: c.2583C>G on transcript NM_000051.4 (MANE Select); coding-DNA position 2583, C replaced by G.
Protein change: p.Tyr861Ter; replaces tyrosine 861 with a stop codon.
Molecular consequence: nonsense.
Genome position (GRCh38, 1-based): chr11:108,267,287, C>G. VCF-style: chr11-108267287-C-G. GRCh37 (hg19) VCF-style: chr11-108138014-C-G.
Other names: c.2583C>G, p.Tyr861Ter (NM_001351834.2); short protein forms Y861*.
Identifiers: ClinVar variation 2750903 (VCV002750903.4), dbSNP rs886039633, ClinGen allele CA382543967.

ClinVar aggregate classification (germline): Pathogenic. Review status: criteria provided, multiple submitters, no conflicts (2 of 4 stars). 2 submissions from 2 submitters: Pathogenic (2). Last evaluated 2025-06-12.

Conditions:
Ataxia-telangiectasia syndrome (AT). Also called: AT, COMPLEMENTATION GROUP C; Ataxia-telangiectasia, complementation group D; ATAXIA-TELANGIECTASIA, COMPLEMENTATION GROUP A; ATAXIA-TELANGIECTASIA, FRESNO VARIANT; Ataxia-telangiectasia; Ataxia telangiectasia (A-T). Identifiers: Orphanet 100, MedGen C0004135, MONDO:0008840, OMIM 208900.
Familial cancer of breast. Also called: Hereditary breast cancer; BREAST CANCER, FAMILIAL; hereditary breast carcinoma. Identifiers: Orphanet 227535, MedGen C0346153, MONDO:0016419, OMIM 114480. Disease mechanism: loss of function.

Submissions (2):

Myriad Genetics, Inc.
Classification: Pathogenic for Familial cancer of breast. Last evaluated: 2025-06-12. Review status: criteria provided, single submitter. Criteria: Myriad Autosomal Dominant, Autosomal Recessive and X-Linked Classification Criteria (2023). Collection method: clinical testing. Allele origin: unknown.
Comment: This variant is considered pathogenic. This variant creates a termination codon and is predicted to result in premature protein truncation.

Labcorp Genetics (formerly Invitae), Labcorp
Classification: Pathogenic for Ataxia-telangiectasia syndrome. Last evaluated: 2023-08-07. Review status: criteria provided, single submitter. Criteria: Invitae Variant Classification Sherloc (09022015). Collection method: clinical testing. Allele origin: germline.
Comment: This variant has not been reported in the literature in individuals affected with ATM-related conditions. For these reasons, this variant has been classified as Pathogenic. This variant is not present in population databases (gnomAD no frequency). This sequence change creates a premature translational stop signal (p.Tyr861*) in the ATM gene. It is expected to result in an absent or disrupted protein product. Loss-of-function variants in ATM are known to be pathogenic (PMID: 23807571, 25614872).

Literature cited by the submitters: PubMed 23807571 (cited by Labcorp Genetics (formerly Invitae), Labcorp); PubMed 25614872 (cited by Labcorp Genetics (formerly Invitae), Labcorp).